The following is an entry in ClinVar:

ClinVar aggregate classification (germline): Benign. Review status: reviewed by expert panel (3 of 4 stars). 15 submissions from 15 submitters: Benign (1). 14 of the submissions do not count toward it. Last evaluated 2015-08-10.

Conditions:
Breast and/or ovarian cancer. Identifiers: MedGen CN221562.
Hereditary cancer-predisposing syndrome. Also called: Neoplastic Syndromes, Hereditary; Tumor predisposition; Hereditary neoplastic syndrome; Hereditary Cancer Syndrome. Identifiers: Orphanet 140162, MedGen C0027672, MeSH D009386, MONDO:0015356.
Hereditary breast ovarian cancer syndrome. Also called: Breast and ovarian cancer; Hereditary breast and/or ovarian cancer syndrome; Hereditary breast and ovarian cancer syndrome (HBOC); Hereditary breast and ovarian cancer; Hereditary breast and ovarian cancer syndrome; BRCA1- and BRCA2-Associated Hereditary Breast and Ovarian Cancer. Identifiers: Orphanet 145, MedGen C0677776, MeSH D061325, MONDO:0003582. Disease mechanism: loss of function.
Breast-ovarian cancer, familial, susceptibility to, 1 (BROVCA1). Also called: BRCA1 Hereditary Breast and Ovarian Cancer; OVARIAN CANCER, SUSCEPTIBILITY TO. Identifiers: Orphanet 145, MedGen C2676676, MONDO:0011450, OMIM 604370. Disease mechanism: loss of function.
Malignant tumor of breast. Also called: Cancer breast; Malignant breast neoplasm. Identifiers: MedGen C0006142, MONDO:0007254. Disease mechanism: loss of function.

Allele frequency attached by ClinVar (database versions not stated): TOPMed 0.00001; gnomAD exomes 0.00002 and 0.00004; gnomAD 0.00001; ExAC 0.00001.
gnomAD v4.1: 22 of 1,614,026 alleles (0.0014%); highest among the groups gnomAD compares: Non-Finnish European, 0.0019%; no homozygotes.

Submissions (15):

Evidence-based Network for the Interpretation of Germline Mutant Alleles (ENIGMA)
Classification: Benign for Breast-ovarian cancer, familial 1. Last evaluated: 2015-08-10. Review status: reviewed by expert panel. Criteria: ENIGMA BRCA1/2 Classification Criteria (2015). Collection method: curation. Allele origin: germline.
Comment: IARC class based on posterior probability from multifactorial likelihood analysis, thresholds for class as per Plon et al. 2008 (PMID: 18951446). Class 1 based on posterior probability = 0.00000568

Labcorp Genetics (formerly Invitae), Labcorp
Classification: Likely benign for Hereditary breast ovarian cancer syndrome. Last evaluated: 2025-10-31. Review status: criteria provided, single submitter. Criteria: Invitae Variant Classification Sherloc (09022015). Collection method: clinical testing. Allele origin: germline. Not counted in ClinVar's aggregate classification.

Quest Diagnostics Nichols Institute San Juan Capistrano
Classification: Likely benign. Last evaluated: 2025-07-17. Review status: criteria provided, single submitter. Criteria: Quest Diagnostics criteria. Collection method: clinical testing. Allele origin: unknown. Not counted in ClinVar's aggregate classification.

ARUP Laboratories, Molecular Genetics and Genomics, ARUP Laboratories
Classification: Benign. Last evaluated: 2025-04-30. Review status: criteria provided, single submitter. Criteria: ARUP Molecular Germline Variant Investigation Process 2024. Collection method: clinical testing. Allele origin: germline. Not counted in ClinVar's aggregate classification.

Blueprint Genetics
Classification: Likely benign. Last evaluated: 2023-05-25. Review status: criteria provided, single submitter. Criteria: ACMG Guidelines, 2015. Collection method: clinical testing. Allele origin: germline. Not counted in ClinVar's aggregate classification.

CHEO Genetics Diagnostic Laboratory, Children's Hospital of Eastern Ontario
Classification: Likely benign for Breast and/or ovarian cancer. Last evaluated: 2023-03-30. Review status: criteria provided, single submitter. Criteria: ACMG Guidelines, 2015. Collection method: clinical testing. Allele origin: germline. Not counted in ClinVar's aggregate classification.

Women's Health and Genetics/Laboratory Corporation of America, LabCorp
Classification: Benign. Last evaluated: 2023-03-13. Review status: criteria provided, single submitter. Criteria: LabCorp Variant Classification Summary - May 2015. Collection method: clinical testing. Allele origin: germline. Not counted in ClinVar's aggregate classification.
Comment: Variant summary: BRCA1 c.1105G>A (p.Asp369Asn) results in a conservative amino acid change located in the BRCA1, serine-rich domain of the encoded protein sequence. Three of five in-silico tools predict a damaging effect of the variant on protein function. The variant allele was found at a frequency of 1.6e-05 in 251130 control chromosomes. The available data on variant occurrences in the general population are insufficient to allow any conclusion about variant significance. c.1105G>A has been reported in the literature in individuals affected with Hereditary Breast And Ovarian Cancer Syndrome. These reports do not provide unequivocal conclusions about association of the variant with Hereditary Breast And Ovarian Cancer Syndrome. To our knowledge, no experimental evidence demonstrating an impact on protein function has been reported. A quantitative posterior probability model showed that posterior probability of being deleterious for this variant is 5.68x10e-6 (Lindor_2012). Six clinical diagnostic laboratories or submitters have submitted clinical-significance assessments for this variant to ClinVar after 2014 without evidence for independent evaluation (Benign/likely benign n=5, VUS n=1), including an expert panel classified this variant as benign. Based on the evidence outlined above, the variant was classified as benign.

GeneDx
Classification: Likely benign. Last evaluated: 2020-11-13. Review status: criteria provided, single submitter. Criteria: GeneDx Variant Classification Process June 2021. Collection method: clinical testing. Allele origin: germline. Affected: yes. Not counted in ClinVar's aggregate classification.
Comment: This variant is associated with the following publications: (PMID: 17924331, 21990134, 15235020, 22753008, 16677609)

Color Diagnostics, LLC DBA Color Health
Classification: Benign for Hereditary cancer-predisposing syndrome. Last evaluated: 2016-06-19. Review status: criteria provided, single submitter. Criteria: ACMG Guidelines, 2015. Collection method: clinical testing. Allele origin: germline. Not counted in ClinVar's aggregate classification.

Ambry Genetics
Classification: Benign for Hereditary cancer-predisposing syndrome. Last evaluated: 2014-11-18. Review status: criteria provided, single submitter. Criteria: Ambry Variant Classification Scheme 2023. Collection method: clinical testing. Allele origin: germline. Not counted in ClinVar's aggregate classification.

Counsyl
Classification: Benign for Breast-ovarian cancer, familial, susceptibility to, 1. Last evaluated: 2017-07-12. Review status: no assertion criteria provided. Collection method: clinical testing. Allele origin: unknown. Not counted in ClinVar's aggregate classification.

Sharing Clinical Reports Project (SCRP)
Classification: Likely benign for Breast-ovarian cancer, familial 1. Last evaluated: 2012-01-28. Review status: no assertion criteria provided. Collection method: clinical testing. Allele origin: germline. Not counted in ClinVar's aggregate classification.

Breast Cancer Information Core (BIC) (BRCA1)
Classification: Uncertain significance for Breast-ovarian cancer, familial 1. Last evaluated: 2004-02-20. Review status: no assertion criteria provided. Collection method: clinical testing. Allele origin: germline. Affected: yes. Observed: 9 variant alleles. Not counted in ClinVar's aggregate classification.

Department of Pathology and Laboratory Medicine, Sinai Health System
Classification: Likely benign for Malignant tumor of breast. Review status: no assertion criteria provided. Collection method: clinical testing. Allele origin: unknown. Affected: yes. Observed: 2 variant alleles. Study: The Canadian Open Genetics Repository (COGR). Not counted in ClinVar's aggregate classification.
Comment: The BRCA1 p.Asp369Asn variant was not identified in the literature nor was it identified in the GeneInsight-COGR, Cosmic, MutDB, UMD-LSDB, Zhejiang Colon Cancer Database, databases. The variant was identified in dbSNP (ID: rs56056711) as with other allele; in the ClinVar and Clinvitae databases as benign by ENIGMA, Ambry Genetics; as likely benign by GeneDx, Invitae,Sharing Clinical Report Project; and as uncertain significance by CHEO Genetics Diagnostic Laboratory and Breast Cancer Information Core. The variant was also identified in the LOVD 3.0 database 3X as predicted neutral, BIC Database 2X as clinical importance unknown, and in the ARUP Laboratories database as not pathogenic or of no clinical significance. The variant was identified in control databases in 4 of 245866 chromosomes at a frequency of 0.00002 (Genome Aggregation Database Feb 27, 2017). Breakdown of the observations by population include European Non-Finnish in 4 of 111388 chromosomes (freq: 0.00004), while the variant was not observed in the African, Other, Latino, Ashkenazi Jewish, East Asian, European Finnish, and South Asian populations. In one study, authors utilized amino acid conservation and residue properties to classify missense variants and found the p.Asp369Asn variant to be neutral or of little clinical significance (Abkevich 2004). The p.Asp369Asn residue is not conserved in mammals and four out of five computational analyses (PolyPhen-2, SIFT, AlignGVGD, BLOSUM, MutationTaster) do not suggest a high likelihood of impact to the protein; however, this information is not predictive enough to rule out pathogenicity. The variant occurs outside of the splicing consensus sequence and 1 of 5 in silico or computational prediction software programs (SpliceSiteFinder, MaxEntScan, NNSPLICE, GeneSplicer, HumanSpliceFinder) predict a greater than 10% difference in splicing; this is not very predictive of pathogenicity. In summary, based on the above information the clinical significance of this variant cannot be determined with certainty at this time although we would lean towards a more benign role for this variant. This variant is classified as likely benign.

Foulkes Cancer Genetics LDI, Lady Davis Institute for Medical Research
Classification: Likely benign for Breast-ovarian cancer, familial, susceptibility to, 1. Review status: no assertion criteria provided. Collection method: clinical testing. Allele origin: unknown. Affected: yes. Study: The Canadian Open Genetics Repository (COGR). Not counted in ClinVar's aggregate classification.

Literature cited by the submitters: PubMed 21990134 (cited by 3 submitters); PubMed 17924331 (cited by Quest Diagnostics Nichols Institute San Juan Capistrano and Counsyl); PubMed 22476429 (cited by Quest Diagnostics Nichols Institute San Juan Capistrano and Counsyl); PubMed 15235020 (cited by Quest Diagnostics Nichols Institute San Juan Capistrano); PubMed 16267036 (cited by Women's Health and Genetics/Laboratory Corporation of America, LabCorp and Counsyl).

NM_007294.4(BRCA1):c.1105G>A (p.Asp369Asn)

Gene: BRCA1 (BRCA1 DNA repair associated; minus strand). Cytogenetic location: 17q21.31.
Variant type: single nucleotide variant.
Coding change: c.1105G>A on transcript NM_007294.4 (MANE Select); coding-DNA position 1105, G replaced by A.
Protein change: p.Asp369Asn; replaces aspartic acid 369 with asparagine.
Molecular consequence: missense variant. On other transcripts: intron variant (137).
Genome position (GRCh38, 1-based): chr17:43,094,426, C>T on the plus strand (G>A on the coding strand, the complement: BRCA1 is on the minus strand). VCF-style: chr17-43094426-C-T. GRCh37 (hg19) VCF-style: chr17-41246443-C-T.
Other names: 1224G>A; c.964G>A, p.Asp322Asn (NM_001407735.1, NM_001407736.1, NM_001407737.1 and 29 more transcripts); c.961G>A, p.Asp321Asn (NM_001407740.1, NM_001407741.1, NM_001407742.1 and 20 more transcripts); c.1102G>A, p.Asp368Asn (NM_001407861.1, NM_001407587.1, NM_001407590.1 and 22 more transcripts); c.904G>A, p.Asp302Asn (NM_001407862.1); c.982G>A, p.Asp328Asn (NM_001407863.1, NM_001407674.1, NM_001407675.1 and 19 more transcripts); c.901G>A, p.Asp301Asn (NM_001407874.1, NM_001407875.1); c.895G>A, p.Asp299Asn (NM_001407879.1, NM_001407881.1, NM_001407882.1 and 13 more transcripts); and 41 more; short protein forms D369N, D322N, D257N, D73N, D201N, D281N, D302N, D321N.
Identifiers: ClinVar variation 37390 (VCV000037390.29), dbSNP rs56056711, ClinGen allele CA000738.